The following is an entry in ClinVar:

NM_001267550.2(TTN):c.40558G>C (p.Val13520Leu)

Gene: TTN (titin; minus strand). Cytogenetic location: 2q31.2.
Variant type: single nucleotide variant.
Coding change: c.40558G>C on transcript NM_001267550.2 (MANE Select); coding-DNA position 40558, G replaced by C.
Protein change: p.Val13520Leu; replaces valine 13520 with leucine.
Molecular consequence: missense variant.
Genome position (GRCh38, 1-based): chr2:178,642,237, C>G on the plus strand (G>C on the coding strand, the complement: TTN is on the minus strand). VCF-style: chr2-178642237-C-G. GRCh37 (hg19) VCF-style: chr2-179506964-C-G.
Other names: NM_001267550.2(TTN):c.40558G>C; p.Val13520Leu; c.35635G>C, p.Val11879Leu (NM_001256850.1); c.13363G>C, p.Val4455Leu (NM_003319.4); c.32854G>C, p.Val10952Leu (NM_133378.4); c.40558G>C (LRG_391t1); c.13738G>C, p.Val4580Leu (NM_133432.3); c.13939G>C, p.Val4647Leu (NM_133437.4); short protein forms V13520L, V10952L, V11879L, V4455L, V4647L, V4580L.
Identifiers: ClinVar variation 130666 (VCV000130666.58), dbSNP rs587780488, ClinGen allele CA231595.

ClinVar aggregate classification (germline): Pathogenic/Likely pathogenic. Review status: criteria provided, multiple submitters, no conflicts (2 of 4 stars). 9 submissions from 9 submitters: Pathogenic (1); Likely pathogenic (4). 4 of the submissions do not count toward it. Last evaluated 2025-11-30.

Conditions:
TTN-related myopathy. Identifiers: MedGen CN294812, MONDO:0100175.
Dilated cardiomyopathy 1G (CMD1G). Identifiers: Orphanet 154, MedGen C1858763, MONDO:0011400, OMIM 604145.
Autosomal recessive limb-girdle muscular dystrophy type 2J (LGMDR10). Also called: MUSCULAR DYSTROPHY, LIMB-GIRDLE, AUTOSOMAL RECESSIVE 10; Limb-girdle muscular dystrophy, type 2J. Identifiers: Orphanet 140922, MedGen C1837342, MONDO:0012127, OMIM 608807.
Cardiomyopathy (CMYO). Also called: Cardiomyopathies. Identifiers: Orphanet 167848, MedGen C0878544, MONDO:0004994, HP:0001638. Inheritance: Various modes of inheritance.
Primary dilated cardiomyopathy (DCM). Also called: Dilated Cardiomyopathy. Identifiers: Orphanet 217604, MedGen C0007193, MeSH D002311, MONDO:0005021, HP:0001644. Inheritance: Various modes of inheritance.

Allele frequency attached by ClinVar (database versions not stated): TOPMed 0.00001.
gnomAD v4.1: 19 of 1,579,782 alleles (0.0012%); highest among the groups gnomAD compares: Non-Finnish European, 0.0016%; no homozygotes.

Submissions (9):

Labcorp Genetics (formerly Invitae), Labcorp
Classification: Pathogenic for Dilated cardiomyopathy 1G; Autosomal recessive limb-girdle muscular dystrophy type 2J. Last evaluated: 2025-11-30. Review status: criteria provided, single submitter. Criteria: Invitae Variant Classification Sherloc (09022015). Collection method: clinical testing. Allele origin: germline.
Comment: This sequence change replaces valine, which is neutral and non-polar, with leucine, which is neutral and non-polar, at codon 13520 of the TTN protein (p.Val13520Leu). RNA analysis indicates that this missense change induces altered splicing and likely results in a shortened protein product. This variant is not present in population databases (gnomAD no frequency). This missense change has been observed in individual(s) with autosomal recessive centronuclear myopathy or limb-girdle muscular dystrophy and/or dilated cardiomyopathy (PMID: 22335739, 23975875, 30681174). In at least one individual the data is consistent with being in trans (on the opposite chromosome) from a pathogenic variant. This variant is also known as c.35635G>C or c.32854G>C. ClinVar contains an entry for this variant (Variation ID: 130666). Experimental studies and prediction algorithms are not available or were not evaluated, and the functional significance of this variant is currently unknown. Variants that disrupt the consensus splice site are a relatively common cause of aberrant splicing (PMID: 17576681, 9536098). Studies have shown that this missense change results in skipping of exon 219, but is expected to preserve the integrity of the reading-frame (PMID: 23975875). This variant is located in the I band of TTN (PMID: 25589632). Truncating variants in this region have been reported in individuals affected with autosomal recessive centronuclear myopathy (PMID: 23975875, internal data). Truncating variants in this region have also been identified in individuals affected with autosomal dominant dilated cardiomyopathy and/or cardio-related conditions (PMID: 27869827, 32964742, internal data). For these reasons, this variant has been classified as Pathogenic.

Athena Diagnostics
Classification: Likely pathogenic. Last evaluated: 2025-09-24. Review status: criteria provided, single submitter. Criteria: Athena Diagnostics Criteria. Collection method: clinical testing. Allele origin: unknown.
Comment: This variant has not been reported in large, multi-ethnic general populations. This variant has been identified compound heterozygous in published patients with either centronuclear myopathy and/or dilated cardiomyopathy. In multiple individuals, this variant has been seen with a single recessive pathogenic variant in the same gene, suggesting this variant may also be pathogenic.

CeGaT Center for Human Genetics Tuebingen
Classification: Likely pathogenic. Last evaluated: 2025-01-01. Review status: criteria provided, single submitter. Criteria: CeGaT Center For Human Genetics Tuebingen Variant Classification Criteria Version 2. Collection method: clinical testing. Allele origin: germline. Affected: yes. Observed: 4 variant alleles.
Comment: TTN: PM3:Strong, PM2, PP3, PS3:Supporting

Broad Center for Mendelian Genomics, Broad Institute of MIT and Harvard
Classification: Likely pathogenic for TTN-related myopathy. Last evaluated: 2024-11-21. Review status: criteria provided, single submitter. Criteria: ACMG Guidelines, 2015. Collection method: curation. Allele origin: germline. Inheritance: Autosomal recessive inheritance. Study: GREGoR Consortium.
Comment: Trio exome analysis revealed that this variant was in trans with the likely pathogenic variant. The p.Val13520Leu variant has been reported in at least 3 individuals with TTN-related myopathy (PMID: 23975875, 22335739), and has been identified in 0.002% (19/1161372) of European (non-Finnish) chromosomes by the Genome Aggregation Database (gnomAD; dbSNP rs587780488). Although this variant has been seen in the general population in a heterozygous state, its frequency is low enough to be consistent with a recessive carrier frequency. Of the 3 affected individuals, 2 were compound heterozygotes that carried a reported pathogenic/likely pathogenic variant in trans, which increases the likelihood that the p.Val13520Leu variant is pathogenic (Variation ID: 2500881, 223313; PMID: 22335739, Seqr). This variant has been reported in ClinVar (Variation ID: 130666) and has been interpreted as pathogenic/likely pathogenic by Labcorp Genetics, GeneDx, CeGaT Center for Human Genetics Tuebingen, and Genomics England Pilot Project, and as a variant of uncertain significance by Cardiovascular Biomedical Research Unit (Royal Brompton & Harefield NHS Foundation Trust), Athena diagnostics, Genetic Services Laboratory (University of Chicago), and AiLife Diagnostics. Computational prediction tools and conservation analyses suggest that this variant may impact the protein, though this information is not predictive enough to determine pathogenicity. This variant is located in the first base of the exon, which is part of the 3’ splice region. Computational tools do suggest an impact to splicing. However, this information is not predictive enough to determine/rule out pathogenicity. Loss of function of the TTN gene is an established disease mechanism in autosomal recessive TTN-related myopathy. Minigene assay shows evidence of exon skipping of exon 168. This variant is in an in-frame exon and is more likely to escape nonsense mediated decay (NMD) and result in a truncated protein. The number of missense variants reported in TTN in the general population is lower than expected, suggesting there is little benign variation in this gene and slightly increasing the possibility that a missense variant in this gene may not be tolerated. In summary, although additional studies are required to fully establish its clinical significance, this variant is likely pathogenic for TTN-related myopathy. ACMG/AMP Criteria applied: PM3_strong, PVS1_moderate, PP2, PM2_supporting (Richards 2015).

GeneDx
Classification: Likely pathogenic. Last evaluated: 2015-12-24. Review status: criteria provided, single submitter. Criteria: GeneDx Variant Classification (06012015). Collection method: clinical testing. Allele origin: germline. Affected: yes.
Comment: The c.35635G>C (V11879L, aka c.32854 G>C or V10952L) variant in the TTN gene has been published previouslyin one individual with dilated cardiomyopathy (DCM) (Herman et al., 2012). This variant has also been reported inassociation with autosomal recessive centronuclear myopathy (CNM) (Ceyhan-Birsoy et al., 2013; Brownstein et al.,2014). The c.32854 G>C variant has been identified at GeneDx in one family with autosomal recessive CNM whoalso harbor a TTN canonical splice site variant in trans. The c.35635G>C variant was not associated with anincreased risk of DCM in family members who only harbored this variant. This variant is located in the I-band regionof titin and a splicing assay demonstrated that the c.35635 G>C variant results in skipping of exon 168 leading toeither a truncated protein product or complete absence of protein from this allele due to nonsense mediated mRNAdecay (Ceyhan-Birsoy et al., 2013). Other splice site variants have been reported in the Human Gene MutationDatabase in association with autosomal recessive CNM and autosomal dominant DCM (Stenson et al., 2014).Furthermore, the NHLBI Exome Sequencing Project reports c.32854 G>C was not observed in approximately 5,900individuals of European and African American backgrounds, indicating it is not a common benign variant in thesepopulations. However, other truncating TTN variants have been reported in approximately 3% of control alleles(Herman et al., 2012). The contribution of the c.35635 G>C variant to the pathogenesis of autosomal dominant DCMis unclear. Therefore, this variant is likely pathogenic.

Genomics England Pilot Project, Genomics England
Classification: Likely pathogenic for Dilated cardiomyopathy 1G. Review status: no assertion criteria provided. Criteria: ACGS Guidelines, 2016. Collection method: clinical testing. Allele origin: germline. Affected: yes. Not counted in ClinVar's aggregate classification.

AiLife Diagnostics
Classification: Uncertain significance. Last evaluated: 2022-01-26. Review status: flagged submission. Criteria: ACMG Guidelines, 2015. Collection method: clinical testing. Allele origin: germline. Affected: yes. Observed: 1 variant allele. Not counted in ClinVar's aggregate classification.
ClinVar note: Reason: Claim with insufficient supporting evidence

Cardiovascular Biomedical Research Unit, Royal Brompton & Harefield NHS Foundation Trust
Classification: Uncertain significance for Primary dilated cardiomyopathy. Last evaluated: 2014-10-08. Review status: flagged submission. Criteria: Roberts et al. 2015. Collection method: research. Allele origin: germline. Inheritance: Autosomal dominant inheritance. Affected: yes. Observed: 1 variant allele. Study: Endstage DCM. Not counted in ClinVar's aggregate classification.
Comment: In the seven cohorts assessed, TTNtv were found in 14% of ambulant DCM, 22% end-stage or familial DCM, and 2% controls. Heterozygous nonsense, frameshift and canonical splice-disrupting variants found in constitutive and other highly utilised exons are highly likely to be pathogenic when identified in individuals with phenotypically confirmed DCM. TTNtv found incidentally in healthy individuals (excluding familial assessment of DCM relatives) are thought to have low penetrance, particularly when identified in exons that are not constitutively expressed in the heart.
ClinVar note: Reason: Older claim that does not account for recent evidence

Genetic Services Laboratory, University of Chicago
Classification: Uncertain significance. Last evaluated: 2014-02-03. Review status: flagged submission. Criteria: ACMG Guidelines, 2007. Collection method: clinical testing. Allele origin: germline. Not counted in ClinVar's aggregate classification.
ClinVar note: Reason: Older claim that does not account for recent evidence

Literature cited by the submitters: PubMed 22335739 (cited by 3 submitters); PubMed 23975875 (cited by 3 submitters); PubMed 30681174 (cited by 3 submitters); PubMed 17576681 (cited by Labcorp Genetics (formerly Invitae), Labcorp); PubMed 9536098 (cited by Labcorp Genetics (formerly Invitae), Labcorp); PubMed 25589632 (cited by 3 submitters); PubMed 27869827 (cited by Labcorp Genetics (formerly Invitae), Labcorp); PubMed 32964742 (cited by Labcorp Genetics (formerly Invitae), Labcorp); PubMed 29691892 (cited by Athena Diagnostics); PubMed 29892087 (cited by Athena Diagnostics); PubMed 24667040 (cited by Athena Diagnostics); PubMed 39825153 (cited by Athena Diagnostics); PubMed 33449170 (cited by Athena Diagnostics).